The following is an entry in ClinVar:

NM_001064.4(TKT):c.1080C>T (p.Ile360=)

Gene: TKT (transketolase; minus strand). Cytogenetic location: 3p21.1.
Variant type: single nucleotide variant.
Coding change: c.1080C>T on transcript NM_001064.4 (MANE Select); coding-DNA position 1080, C replaced by T.
Protein change: p.Ile360=; no amino-acid change (isoleucine 360 retained).
Molecular consequence: synonymous variant. On other transcripts: non-coding transcript variant (1).
Genome position (GRCh38, 1-based): chr3:53,230,484, G>A on the plus strand (C>T on the coding strand, the complement: TKT is on the minus strand). VCF-style: chr3-53230484-G-A. GRCh37 (hg19) VCF-style: chr3-53264500-G-A.
Other names: c.1080C>T, p.Ile360= (NM_001135055.3); c.1104C>T, p.Ile368= (NM_001258028.2).
Identifiers: ClinVar variation 3040262 (VCV003040262.2), dbSNP rs908872216, ClinGen allele CA74839491.

ClinVar aggregate classification (germline): Likely benign (0 of 4 stars; one submission).

Conditions:
TKT-related disorder. Also called: TKT-related condition.

Allele frequency attached by ClinVar (database versions not stated): gnomAD 0.00001; gnomAD exomes 0.00003; TOPMed 0.00005.
gnomAD v4.1: 46 of 1,614,106 alleles (0.0028%); highest among the groups gnomAD compares: Middle Eastern, 0.016%; no homozygotes.

Submission:

PreventionGenetics, part of Exact Sciences
Classification: Likely benign for TKT-related condition. Last evaluated: 2019-09-10. Review status: no assertion criteria provided. Collection method: clinical testing. Allele origin: germline.
Comment: This variant is classified as likely benign based on ACMG/AMP sequence variant interpretation guidelines (Richards et al. 2015 PMID: 25741868, with internal and published modifications).